The following is an entry in ClinVar:

ClinVar aggregate classification (germline): Uncertain significance (1 of 4 stars; one submission).

Submission:

Labcorp Genetics (formerly Invitae), Labcorp
Classification: Uncertain significance. Last evaluated: 2018-02-28. Review status: criteria provided, single submitter. Criteria: Invitae Variant Classification Sherloc (09022015). Collection method: clinical testing. Allele origin: germline.
Comment: A gross deletion of the genomic region encompassing the full coding sequence of the ZNHIT3 gene has been identified. The boundaries of this event are unknown as the deletion extends beyond the assayed region for this gene and therefore may encompass additional genes. This variant has not been reported in the literature in individuals with ZNHIT3-related disease. The current clinical and genetic evidence is not sufficient to establish whether loss-of-function variants in ZNHIT3 cause disease. In summary, the available evidence is currently insufficient to determine the role of this variant in disease. Therefore, it has been classified as a Variant of Uncertain Significance.

NC_000017.10:g.(?_34842544)_(34842629_?)del

Gene: ZNHIT3 (zinc finger HIT-type containing 3; plus strand). Cytogenetic location: 17q12.
Variant type: Deletion.
Identifiers: ClinVar variation 1040554 (VCV001040554.1).